The following is an entry in ClinVar:

ClinVar aggregate classification (germline): Uncertain significance (1 of 4 stars; one submission).

Conditions:
Inborn genetic diseases. Identifiers: MedGen C0950123, MeSH D030342.

Submission:

Ambry Genetics
Classification: Uncertain significance for Inborn genetic diseases. Last evaluated: 2023-09-19. Review status: criteria provided, single submitter. Criteria: Ambry Variant Classification Scheme 2023. Collection method: clinical testing. Allele origin: germline.
Comment: The c.3199A>G (p.K1067E) alteration is located in exon 18 (coding exon 18) of the TRIO gene. This alteration results from a A to G substitution at nucleotide position 3199, causing the lysine (K) at amino acid position 1067 to be replaced by a glutamic acid (E). This variant was not reported in population-based cohorts in the Genome Aggregation Database (gnomAD). This amino acid position is highly conserved in available vertebrate species. Based on internal structural analysis, K1067E is inconclusive. The variant has an unknown effect on the local structure. The variant is not on an interface. The variant has no nearby pathogenic variants and has no nearby benign variants. The in silico prediction for this alteration is inconclusive. Based on insufficient or conflicting evidence, the clinical significance of this alteration remains unclear.

NM_007118.4(TRIO):c.3199A>G (p.Lys1067Glu)

Gene: TRIO (trio Rho guanine nucleotide exchange factor; plus strand). Cytogenetic location: 5p15.2.
Variant type: single nucleotide variant.
Coding change: c.3199A>G on transcript NM_007118.4 (MANE Select); coding-DNA position 3199, A replaced by G.
Protein change: p.Lys1067Glu; replaces lysine 1067 with glutamic acid.
Molecular consequence: missense variant. On other transcripts: non-coding transcript variant (1).
Genome position (GRCh38, 1-based): chr5:14,369,506, A>G. VCF-style: chr5-14369506-A-G. GRCh37 (hg19) VCF-style: chr5-14369615-A-G.
Other names: short protein forms K1067E.
Identifiers: ClinVar variation 3182863 (VCV003182863.1), dbSNP rs1744892960, ClinGen allele CA359217034.